The following is an entry in ClinVar:

NM_020778.5(ALPK3):c.1334G>A (p.Ser445Asn)

Gene: ALPK3 (alpha kinase 3; plus strand). Cytogenetic location: 15q25.3.
Variant type: single nucleotide variant.
Coding change: c.1334G>A on transcript NM_020778.5 (MANE Select); coding-DNA position 1334, G replaced by A.
Protein change: p.Ser445Asn; replaces serine 445 with asparagine.
Molecular consequence: missense variant.
Genome position (GRCh38, 1-based): chr15:84,840,613, G>A. VCF-style: chr15-84840613-G-A. GRCh37 (hg19) VCF-style: chr15-85383844-G-A.
Other names: short protein forms S445N.
Identifiers: ClinVar variation 2696771 (VCV002696771.3), dbSNP rs2141557122, ClinGen allele CA393375410.

ClinVar aggregate classification (germline): Uncertain significance (1 of 4 stars; one submission).

Submission:

Labcorp Genetics (formerly Invitae), Labcorp
Classification: Uncertain significance. Last evaluated: 2024-02-21. Review status: criteria provided, single submitter. Criteria: Invitae Variant Classification Sherloc (09022015). Collection method: clinical testing. Allele origin: germline.
Comment: This sequence change replaces serine, which is neutral and polar, with asparagine, which is neutral and polar, at codon 647 of the ALPK3 protein (p.Ser647Asn). This variant is not present in population databases (gnomAD no frequency). This variant has not been reported in the literature in individuals affected with ALPK3-related conditions. Algorithms developed to predict the effect of missense changes on protein structure and function output the following: SIFT: "Not Available"; PolyPhen-2: "Benign"; Align-GVGD: "Not Available". The asparagine amino acid residue is found in multiple mammalian species, which suggests that this missense change does not adversely affect protein function. In summary, the available evidence is currently insufficient to determine the role of this variant in disease. Therefore, it has been classified as a Variant of Uncertain Significance.